The following is an entry in ClinVar:

NM_000038.6(APC):c.4768A>G (p.Lys1590Glu)

Gene: APC (APC regulator of Wnt signaling pathway; plus strand). Cytogenetic location: 5q22.2.
Variant type: single nucleotide variant.
Coding change: c.4768A>G on transcript NM_000038.6 (MANE Select); coding-DNA position 4768, A replaced by G.
Protein change: p.Lys1590Glu; replaces lysine 1590 with glutamic acid.
Molecular consequence: missense variant.
Genome position (GRCh38, 1-based): chr5:112,840,362, A>G. VCF-style: chr5-112840362-A-G. GRCh37 (hg19) VCF-style: chr5-112176059-A-G.
Other names: c.4768A>G, p.Lys1590Glu (NM_001127510.3, NM_001354895.2); c.4714A>G, p.Lys1572Glu (NM_001127511.3); c.4822A>G, p.Lys1608Glu (NM_001354896.2); c.4798A>G, p.Lys1600Glu (NM_001354897.2); c.4693A>G, p.Lys1565Glu (NM_001354898.2); c.4684A>G, p.Lys1562Glu (NM_001354899.2); c.4645A>G, p.Lys1549Glu (NM_001354900.2); c.4591A>G, p.Lys1531Glu (NM_001354901.2); and 5 more; short protein forms K1572E, K1590E, K1430E, K1307E, K1464E, K1489E, K1499E, K1531E.
Identifiers: ClinVar variation 236606 (VCV000236606.54), dbSNP rs878853450, ClinGen allele CA10582318.
Genomic context (GRCh38, chr5:112,840,362, plus strand): 5'-GATGATATTGAAATACTAGAAGAATGTATTATTTCTGCCATGCCAACAAAGTCATCACGT[A>G]AAGCAAAAAAGCCAGCCCAGACTGCTTCAAAATTACCTCCACCTGTGGCAAGGAAACCAA-3'
Protein context (NP_000029.2, residues 1580-1600): ISAMPTKSSR[Lys1590Glu]AKKPAQTASK

ClinVar aggregate classification (germline): Uncertain significance. Review status: criteria provided, multiple submitters, no conflicts (2 of 4 stars). 4 submissions from 4 submitters: Uncertain significance (4). Last evaluated 2025-07-16.

Conditions:
Hereditary cancer-predisposing syndrome. Also called: Hereditary neoplastic syndrome; Hereditary Cancer Syndrome; Neoplastic Syndromes, Hereditary; Tumor predisposition. Identifiers: Orphanet 140162, MedGen C0027672, MeSH D009386, MONDO:0015356.
Familial adenomatous polyposis 1 (FAP1). Also called: FAMILIAL ADENOMATOUS POLYPOSIS 1, ATTENUATED; POLYPOSIS, ADENOMATOUS INTESTINAL. Identifiers: MedGen C2713442, MONDO:0021056, OMIM 175100. Disease mechanism: loss of function.

Submissions (4):

Ambry Genetics
Classification: Uncertain significance for Hereditary cancer-predisposing syndrome. Last evaluated: 2025-07-16. Review status: criteria provided, single submitter. Criteria: Ambry Variant Classification Scheme 2023. Collection method: clinical testing. Allele origin: germline.
Comment: The p.K1590E variant (also known as c.4768A>G), located in coding exon 15 of the APC gene, results from an A to G substitution at nucleotide position 4768. The lysine at codon 1590 is replaced by glutamic acid, an amino acid with similar properties. This amino acid position is highly conserved in available vertebrate species. In addition, in silico predictors for this gene do not accurately predict pathogenicity. Missense alterations in APC are not a common cause of disease (Spier I et al. Genet Med. 2024 Feb;26(2):100992). Based on the available evidence, the clinical significance of this variant remains unclear.

Labcorp Genetics (formerly Invitae), Labcorp
Classification: Uncertain significance for Familial adenomatous polyposis 1. Last evaluated: 2024-03-01. Review status: criteria provided, single submitter. Criteria: Invitae Variant Classification Sherloc (09022015). Collection method: clinical testing. Allele origin: germline.
Comment: This sequence change replaces lysine, which is basic and polar, with glutamic acid, which is acidic and polar, at codon 1590 of the APC protein (p.Lys1590Glu). This variant is not present in population databases (gnomAD no frequency). This variant has not been reported in the literature in individuals affected with APC-related conditions. ClinVar contains an entry for this variant (Variation ID: 236606). Advanced modeling of protein sequence and biophysical properties (such as structural, functional, and spatial information, amino acid conservation, physicochemical variation, residue mobility, and thermodynamic stability) performed at Invitae indicates that this missense variant is not expected to disrupt APC protein function with a negative predictive value of 95%. In summary, the available evidence is currently insufficient to determine the role of this variant in disease. Therefore, it has been classified as a Variant of Uncertain Significance.

Baylor Genetics
Classification: Uncertain significance for Familial adenomatous polyposis 1. Last evaluated: 2023-07-11. Review status: criteria provided, single submitter. Criteria: ACMG Guidelines, 2015. Collection method: clinical testing. Allele origin: unknown.

GeneDx
Classification: Uncertain significance. Last evaluated: 2022-08-05. Review status: criteria provided, single submitter. Criteria: GeneDx Variant Classification Process June 2021. Collection method: clinical testing. Allele origin: germline. Affected: yes.
Comment: Not observed at significant frequency in large population cohorts (gnomAD); In silico analysis supports that this missense variant does not alter protein structure/function; Has not been previously published as pathogenic or benign to our knowledge; This variant is associated with the following publications: (PMID: 18199528)